The following is an entry in ClinVar:

NM_003848.4(SUCLG2):c.845A>G (p.Asn282Ser)

Gene: SUCLG2 (succinate-CoA ligase GDP-forming subunit beta; minus strand). Cytogenetic location: 3p14.1.
Variant type: single nucleotide variant.
Coding change: c.845A>G on transcript NM_003848.4 (MANE Select); coding-DNA position 845, A replaced by G.
Protein change: p.Asn282Ser; replaces asparagine 282 with serine.
Molecular consequence: missense variant.
Genome position (GRCh38, 1-based): chr3:67,498,208, T>C on the plus strand (A>G on the coding strand, the complement: SUCLG2 is on the minus strand). VCF-style: chr3-67498208-T-C. GRCh37 (hg19) VCF-style: chr3-67548632-T-C.
Other names: c.845A>G, p.Asn282Ser (NM_001177599.2); short protein forms N282S.
Identifiers: ClinVar variation 4804553 (VCV004804553.1).

ClinVar aggregate classification (germline): Uncertain significance (1 of 4 stars; one submission).

gnomAD v4.1: 4 of 1,613,792 alleles (0.00025%); highest among the groups gnomAD compares: Non-Finnish European, 0.00025%; no homozygotes.

Submission:

Labcorp Genetics (formerly Invitae), Labcorp
Classification: Uncertain significance. Last evaluated: 2025-03-19. Review status: criteria provided, single submitter. Criteria: Invitae Variant Classification Sherloc (09022015). Collection method: clinical testing. Allele origin: germline.
Comment: This sequence change replaces asparagine, which is neutral and polar, with serine, which is neutral and polar, at codon 282 of the SUCLG2 protein (p.Asn282Ser). This variant is present in population databases (no rsID available, gnomAD no frequency). This variant has not been reported in the literature in individuals affected with SUCLG2-related conditions. An algorithm developed to predict the effect of missense changes on protein structure and function (PolyPhen-2) suggests that this variant is likely to be tolerated. In summary, the available evidence is currently insufficient to determine the role of this variant in disease. Therefore, it has been classified as a Variant of Uncertain Significance.